The following is an entry in ClinVar:

NM_000533.5(PLP1):c.784A>T (p.Thr262Ser)

Genes: PLP1 (proteolipid protein 1; plus strand), RAB9B (RAB9B, member RAS oncogene family; minus strand). Cytogenetic location: Xq22.2.
Variant type: single nucleotide variant.
Coding change: c.784A>T on transcript NM_000533.5 (MANE Select); coding-DNA position 784, A replaced by T.
Protein change: p.Thr262Ser; replaces threonine 262 with serine.
Molecular consequence: missense variant.
Genome position (GRCh38, 1-based): chrX:103,790,548, A>T. VCF-style: chrX-103790548-A-T. GRCh37 (hg19) VCF-style: chrX-103045476-A-T.
Other names: c.784A>T, p.Thr262Ser (NM_001128834.3); c.619A>T, p.Thr207Ser (NM_001305004.1); c.679A>T, p.Thr227Ser (NM_199478.3); short protein forms T207S, T227S, T262S.
Identifiers: ClinVar variation 3776527 (VCV003776527.1).

ClinVar aggregate classification (germline): Uncertain significance (1 of 4 stars; one submission).

Submission:

GeneDx
Classification: Uncertain significance. Last evaluated: 2024-10-01. Review status: criteria provided, single submitter. Criteria: GeneDx Variant Classification Process June 2021. Collection method: clinical testing. Allele origin: germline. Affected: yes.
Comment: Not observed at significant frequency in large population cohorts (gnomAD); Missense variants in this gene are a common cause of disease and they are underrepresented in the general population; In silico analysis indicates that this missense variant does not alter protein structure/function; Has not been previously published as pathogenic or benign to our knowledge